The following is an entry in ClinVar:

ClinVar aggregate classification (germline): Benign (1 of 4 stars; one submission).

Conditions:
PPP1R9B-related disorder. Also called: PPP1R9B-related condition.

Submission:

PreventionGenetics, part of Exact Sciences
Classification: Benign for PPP1R9B-related condition. Last evaluated: 2020-04-21. Review status: criteria provided, single submitter. Criteria: ACMG Guidelines, 2015. Collection method: clinical testing. Allele origin: germline.
Comment: This variant is classified as benign based on ACMG/AMP sequence variant interpretation guidelines (Richards et al. 2015 PMID: 25741868, with internal and published modifications).

NM_032595.5(PPP1R9B):c.1089G>C (p.Glu363Asp)

Gene: PPP1R9B (protein phosphatase 1 regulatory subunit 9B; minus strand). Cytogenetic location: 17q21.33.
Variant type: single nucleotide variant.
Coding change: c.1089G>C on transcript NM_032595.5 (MANE Select); coding-DNA position 1089, G replaced by C.
Protein change: p.Glu363Asp; replaces glutamic acid 363 with aspartic acid.
Molecular consequence: missense variant.
Genome position (GRCh38, 1-based): chr17:50,149,425, C>G on the plus strand (G>C on the coding strand, the complement: PPP1R9B is on the minus strand). VCF-style: chr17-50149425-C-G. GRCh37 (hg19) VCF-style: chr17-48226790-C-G.
Other names: short protein forms E363D.
Identifiers: ClinVar variation 3053711 (VCV003053711.1), dbSNP rs1054096617, ClinGen allele CA400196467.